The following is an entry in ClinVar:

NM_005555.4(KRT6B):c.433C>T (p.Leu145=)

Gene: KRT6B (keratin 6B; minus strand). Cytogenetic location: 12q13.13.
Variant type: single nucleotide variant.
Coding change: c.433C>T on transcript NM_005555.4 (MANE Select); coding-DNA position 433, C replaced by T.
Protein change: p.Leu145=; no amino-acid change (leucine 145 retained).
Molecular consequence: synonymous variant.
Genome position (GRCh38, 1-based): chr12:52,451,646, G>A on the plus strand (C>T on the coding strand, the complement: KRT6B is on the minus strand). VCF-style: chr12-52451646-G-A. GRCh37 (hg19) VCF-style: chr12-52845430-G-A.
Identifiers: ClinVar variation 2643019 (VCV002643019.24), dbSNP rs772734398, ClinGen allele CA6580855.

ClinVar aggregate classification (germline): Likely benign (1 of 4 stars; one submission).

Allele frequency attached by ClinVar (database versions not stated): gnomAD 0.00004; gnomAD exomes 0.00004; ExAC 0.00007; TOPMed 0.00013.

Submission:

CeGaT Center for Human Genetics Tuebingen
Classification: Likely benign. Last evaluated: 2022-09-01. Review status: criteria provided, single submitter. Criteria: CeGaT Center For Human Genetics Tuebingen Variant Classification Criteria Version 2. Collection method: clinical testing. Allele origin: germline. Affected: yes. Observed: 1 variant allele.
Comment: KRT6B: BP4, BP7